The following is an entry in ClinVar:

NM_018417.6(ADCY10):c.4056C>T (p.Tyr1352=)

Gene: ADCY10 (adenylate cyclase 10; minus strand). Cytogenetic location: 1q24.2.
Variant type: single nucleotide variant.
Coding change: c.4056C>T on transcript NM_018417.6 (MANE Select); coding-DNA position 4056, C replaced by T.
Protein change: p.Tyr1352=; no amino-acid change (tyrosine 1352 retained).
Molecular consequence: synonymous variant.
Genome position (GRCh38, 1-based): chr1:167,823,120, G>A on the plus strand (C>T on the coding strand, the complement: ADCY10 is on the minus strand). VCF-style: chr1-167823120-G-A. GRCh37 (hg19) VCF-style: chr1-167792358-G-A.
Other names: c.3597C>T, p.Tyr1199= (NM_001167749.3); c.3780C>T, p.Tyr1260= (NM_001297772.2).
Identifiers: ClinVar variation 5040654 (VCV005040654.1).

ClinVar aggregate classification (germline): Likely benign (1 of 4 stars; one submission).

gnomAD v4.1: 5 of 1,613,830 alleles (0.00031%); highest among the groups gnomAD compares: East Asian, 0.0089%; no homozygotes.

Submission:

CeGaT Center for Human Genetics Tuebingen
Classification: Likely benign. Last evaluated: 2026-08-01. Review status: criteria provided, single submitter. Criteria: CeGaT Center For Human Genetics Tuebingen Variant Classification Criteria Version 2. Collection method: clinical testing. Allele origin: germline. Affected: yes. Observed: 1 variant allele.
Comment: ADCY10: BP4, BP7